The following is an entry in ClinVar:

ClinVar aggregate classification (germline): Uncertain significance. Review status: criteria provided, multiple submitters, no conflicts (2 of 4 stars). 2 submissions from 2 submitters: Uncertain significance (2). Last evaluated 2023-07-17.

Conditions:
Inborn genetic diseases. Identifiers: MedGen C0950123, MeSH D030342.

Allele frequency attached by ClinVar (database versions not stated): ExAC 0.00001; gnomAD 0.00001; gnomAD exomes 0.00001 and 0.00002; TOPMed 0.00003.
gnomAD v4.1: 22 of 1,611,442 alleles (0.0014%); highest among the groups gnomAD compares: Admixed American, 0.005%; no homozygotes.

Submissions (2):

Labcorp Genetics (formerly Invitae), Labcorp
Classification: Uncertain significance. Last evaluated: 2023-07-17. Review status: criteria provided, single submitter. Criteria: Invitae Variant Classification Sherloc (09022015). Collection method: clinical testing. Allele origin: germline.
Comment: In summary, the available evidence is currently insufficient to determine the role of this variant in disease. Therefore, it has been classified as a Variant of Uncertain Significance. This sequence change replaces isoleucine, which is neutral and non-polar, with threonine, which is neutral and polar, at codon 1480 of the SI protein (p.Ile1480Thr). This variant is present in population databases (rs756673922, gnomAD 0.006%). This variant has not been reported in the literature in individuals affected with SI-related conditions. ClinVar contains an entry for this variant (Variation ID: 1490967). Advanced modeling of protein sequence and biophysical properties (such as structural, functional, and spatial information, amino acid conservation, physicochemical variation, residue mobility, and thermodynamic stability) has been performed at Invitae for this missense variant, however the output from this modeling did not meet the statistical confidence thresholds required to predict the impact of this variant on SI protein function.

Ambry Genetics
Classification: Uncertain significance for Inborn genetic diseases. Last evaluated: 2023-03-07. Review status: criteria provided, single submitter. Criteria: Ambry Variant Classification Scheme 2023. Collection method: clinical testing. Allele origin: germline.

NM_001041.4(SI):c.4439T>C (p.Ile1480Thr)

Gene: SI (sucrase-isomaltase; minus strand). Cytogenetic location: 3q26.1.
Variant type: single nucleotide variant.
Coding change: c.4439T>C on transcript NM_001041.4 (MANE Select); coding-DNA position 4439, T replaced by C.
Protein change: p.Ile1480Thr; replaces isoleucine 1480 with threonine.
Molecular consequence: missense variant.
Genome position (GRCh38, 1-based): chr3:164,998,641, A>G on the plus strand (T>C on the coding strand, the complement: SI is on the minus strand). VCF-style: chr3-164998641-A-G. GRCh37 (hg19) VCF-style: chr3-164716429-A-G.
Other names: c.4439T>C (NM_001041.3); short protein forms I1480T.
Identifiers: ClinVar variation 1490967 (VCV001490967.7), dbSNP rs756673922, ClinGen allele CA2689916.
Genomic context (GRCh38, chr3:164,998,641, plus strand): 5'-TCTCCAAGCCAGTGTCCTCCCCATCGTCCACTAGTAGGATACGTGGAACGAGAAATTACA[A>G]TCCCTCTTTTTCCAGTTGTCTTCTGCAATGCACTAATATAGTAGAGAAGTATTTTTGAGT-3'
Protein context (NP_001032.2, residues 1470-1490): ALQKTTGKRG[Ile1480Thr]VISRSTYPTS